The following is an entry in ClinVar:

ClinVar aggregate classification (germline): Uncertain significance (1 of 4 stars; one submission).

gnomAD v4.1: 16 of 1,614,082 alleles (0.00099%); highest among the groups gnomAD compares: African/African-American, 0.0013%; no homozygotes.

Submission:

Labcorp Genetics (formerly Invitae), Labcorp
Classification: Uncertain significance. Last evaluated: 2025-05-14. Review status: criteria provided, single submitter. Criteria: Invitae Variant Classification Sherloc (09022015). Collection method: clinical testing. Allele origin: germline.
Comment: This sequence change replaces arginine, which is basic and polar, with cysteine, which is neutral and slightly polar, at codon 1627 of the DNAH9 protein (p.Arg1627Cys). This variant is present in population databases (rs184447647, gnomAD 0.002%). This variant has not been reported in the literature in individuals affected with DNAH9-related conditions. Invitae Evidence Modeling of protein sequence and biophysical properties (such as structural, functional, and spatial information, amino acid conservation, physicochemical variation, residue mobility, and thermodynamic stability) has been performed for this missense variant. However, the output from this modeling did not meet the statistical confidence thresholds required to predict the impact of this variant on DNAH9 protein function. In summary, the available evidence is currently insufficient to determine the role of this variant in disease. Therefore, it has been classified as a Variant of Uncertain Significance.

NM_001372.4(DNAH9):c.4879C>T (p.Arg1627Cys)

Genes: DNAH9 (dynein axonemal heavy chain 9; plus strand), LOC126862506 (BRD4-independent group 4 enhancer GRCh37_chr17:11602804-11604003; plus strand). Cytogenetic location: 17p12.
Variant type: single nucleotide variant.
Coding change: c.4879C>T on transcript NM_001372.4 (MANE Select); coding-DNA position 4879, C replaced by T.
Protein change: p.Arg1627Cys; replaces arginine 1627 with cysteine.
Molecular consequence: missense variant.
Genome position (GRCh38, 1-based): chr17:11,699,737, C>T. VCF-style: chr17-11699737-C-T. GRCh37 (hg19) VCF-style: chr17-11603054-C-T.
Other names: short protein forms R1627C.
Identifiers: ClinVar variation 4761240 (VCV004761240.1).